The following is an entry in ClinVar:

ClinVar aggregate classification (germline): Uncertain significance. Review status: criteria provided, multiple submitters, no conflicts (2 of 4 stars). 2 submissions from 2 submitters: Uncertain significance (2). Last evaluated 2024-12-16.

Conditions:
Tuberous sclerosis 1 (TSC1). Identifiers: Orphanet 805, MedGen C1854465, MONDO:0008612, OMIM 191100.
Hereditary cancer-predisposing syndrome. Also called: Neoplastic Syndromes, Hereditary; Hereditary Cancer Syndrome; Hereditary neoplastic syndrome; Tumor predisposition. Identifiers: Orphanet 140162, MedGen C0027672, MeSH D009386, MONDO:0015356.

Submissions (2):

Ambry Genetics
Classification: Uncertain significance for Hereditary cancer-predisposing syndrome. Last evaluated: 2024-12-16. Review status: criteria provided, single submitter. Criteria: Ambry Variant Classification Scheme 2023. Collection method: clinical testing. Allele origin: germline.
Comment: The p.H618D variant (also known as c.1852C>G), located in coding exon 13 of the TSC1 gene, results from a C to G substitution at nucleotide position 1852. The histidine at codon 618 is replaced by aspartic acid, an amino acid with similar properties. This amino acid position is not well conserved in available vertebrate species. In addition, the in silico prediction for this alteration is inconclusive. Since supporting evidence is limited at this time, the clinical significance of this alteration remains unclear.

Labcorp Genetics (formerly Invitae), Labcorp
Classification: Uncertain significance for Tuberous sclerosis 1. Last evaluated: 2024-10-21. Review status: criteria provided, single submitter. Criteria: Invitae Variant Classification Sherloc (09022015). Collection method: clinical testing. Allele origin: germline.
Comment: This sequence change replaces histidine, which is basic and polar, with aspartic acid, which is acidic and polar, at codon 618 of the TSC1 protein (p.His618Asp). This variant is not present in population databases (gnomAD no frequency). This variant has not been reported in the literature in individuals affected with TSC1-related conditions. ClinVar contains an entry for this variant (Variation ID: 645023). Invitae Evidence Modeling of protein sequence and biophysical properties (such as structural, functional, and spatial information, amino acid conservation, physicochemical variation, residue mobility, and thermodynamic stability) indicates that this missense variant is not expected to disrupt TSC1 protein function with a negative predictive value of 95%. In summary, the available evidence is currently insufficient to determine the role of this variant in disease. Therefore, it has been classified as a Variant of Uncertain Significance.

NM_000368.5(TSC1):c.1852C>G (p.His618Asp)

Gene: TSC1 (TSC complex subunit 1; minus strand). Cytogenetic location: 9q34.13.
Variant type: single nucleotide variant.
Coding change: c.1852C>G on transcript NM_000368.5 (MANE Select); coding-DNA position 1852, C replaced by G.
Protein change: p.His618Asp; replaces histidine 618 with aspartic acid.
Molecular consequence: missense variant.
Genome position (GRCh38, 1-based): chr9:132,905,726, G>C on the plus strand (C>G on the coding strand, the complement: TSC1 is on the minus strand). VCF-style: chr9-132905726-G-C. GRCh37 (hg19) VCF-style: chr9-135781113-G-C.
Other names: c.1849C>G, p.His617Asp (NM_001162426.2); c.1699C>G, p.His567Asp (NM_001162427.2); c.1489C>G, p.His497Asp (NM_001362177.2); short protein forms H618D, H497D, H567D, H617D.
Identifiers: ClinVar variation 645023 (VCV000645023.12), dbSNP rs1588308804, ClinGen allele CA375363139.